The following is an entry in ClinVar:

ClinVar aggregate classification (germline): Likely benign. Review status: criteria provided, multiple submitters, no conflicts (2 of 4 stars). 3 submissions from 3 submitters: Likely benign (3). Last evaluated 2026-03-03.

Conditions:
Retinal dystrophy. Also called: Inherited retinal dystrophy. Identifiers: Orphanet 71862, MedGen C0854723, MeSH D058499, MONDO:0019118, HP:0000556.
RP1L1-related disorder. Also called: RP1L1-related condition.

Allele frequency attached by ClinVar (database versions not stated): gnomAD exomes 0.00002; TOPMed 0.00004; gnomAD 0.00005; ExAC 0.00008.
gnomAD v4.1: 70 of 1,613,488 alleles (0.0043%); highest among the groups gnomAD compares: East Asian, 0.087%; no homozygotes.

Submissions (3):

PreventionGenetics, part of Exact Sciences
Classification: Likely benign for RP1L1-related condition. Last evaluated: 2026-03-03. Review status: criteria provided, single submitter. Criteria: ACMG Guidelines, 2015. Collection method: clinical testing. Allele origin: germline.
Comment: This variant is classified as likely benign based on ACMG/AMP sequence variant interpretation guidelines (Richards et al. 2015 PMID: 25741868, with internal and published modifications).

Blueprint Genetics
Classification: Likely benign. Last evaluated: 2024-03-07. Review status: criteria provided, single submitter. Criteria: ACMG Guidelines, 2015. Collection method: clinical testing. Allele origin: germline.

Dept Of Ophthalmology, Nagoya University
Classification: Likely benign for Retinal dystrophy. Last evaluated: 2023-10-01. Review status: criteria provided, single submitter. Criteria: Submitter's publication. Collection method: research. Allele origin: germline. Affected: yes.

NM_178857.6(RP1L1):c.1058G>C (p.Ser353Thr)

Gene: RP1L1 (RP1 like 1). Cytogenetic location: 8p23.1.
Variant type: single nucleotide variant.
Coding change: c.1058G>C on transcript NM_178857.6 (MANE Select); coding-DNA position 1058, G replaced by C.
Protein change: p.Ser353Thr; replaces serine 353 with threonine.
Molecular consequence: missense variant.
Genome position (GRCh38, 1-based): chr8:10,613,040, C>G on the plus strand (G>C on the coding strand, the complement: RP1L1 is on the minus strand). VCF-style: chr8-10613040-C-G. GRCh37 (hg19) VCF-style: chr8-10470550-C-G.
Other names: c.1058G>C (NM_178857.5); short protein forms S353T.
Identifiers: ClinVar variation 3028054 (VCV003028054.3), dbSNP rs760315866, ClinGen allele CA4625332.